The following is an entry in ClinVar:

NM_000037.4(ANK1):c.5096+2T>G

Gene: ANK1 (ankyrin 1; minus strand). Cytogenetic location: 8p11.21.
Variant type: single nucleotide variant.
Coding change: c.5096+2T>G on transcript NM_000037.4 (MANE Select); the canonical splice donor site of the intron after coding-DNA position 5096, T replaced by G.
Molecular consequence: splice donor variant.
Genome position (GRCh38, 1-based): chr8:41,672,352, A>C on the plus strand (T>G on the coding strand, the complement: ANK1 is on the minus strand). VCF-style: chr8-41672352-A-C. GRCh37 (hg19) VCF-style: chr8-41529870-A-C.
Other names: c.5219+2T>G (NM_001142446.2); c.4610+2T>G (NM_020477.3); c.5096+2T>G (NM_020475.3, NM_020476.3, NM_020476.2).
Identifiers: ClinVar variation 2432829 (VCV002432829.5), dbSNP rs2487634896, ClinGen allele CA371053289.

ClinVar aggregate classification (germline): Likely pathogenic. Review status: criteria provided, multiple submitters, no conflicts (2 of 4 stars). 3 submissions from 3 submitters: Likely pathogenic (3). Last evaluated 2026-04-02.

Conditions:
ANK1-related disorder. Also called: ANK1-related condition.
Hereditary spherocytosis type 1. Also called: Spherocytosis type 1; ANK1-Related Spherocytosis. Identifiers: Orphanet 822, MedGen C2674218, MONDO:0008447, OMIM 182900.

Submissions (3):

PreventionGenetics, part of Exact Sciences
Classification: Likely pathogenic for ANK1-related condition. Last evaluated: 2026-04-02. Review status: criteria provided, single submitter. Criteria: ACMG Guidelines, 2015. Collection method: clinical testing. Allele origin: germline.
Comment: The ANK1 c.5096+2T>G variant is predicted to disrupt the GT donor site and interfere with normal splicing. This variant has not been reported in the literature or in a large population database (gnomAD), indicating this variant is rare. An alternate splice donor variant (c.5096+1G>C) has been reported in association with hereditary spherocytosis (reported as NM_001142446:c.5219+1G>C, Aggarwal et al. 2020. PubMed ID: 31602632). Variants that disrupt the consensus splice donor site in ANK1 are expected to be pathogenic. This variant is interpreted as likely pathogenic.

Revvity Omics, Revvity
Classification: Likely pathogenic for Hereditary spherocytosis type 1. Last evaluated: 2022-04-20. Review status: criteria provided, single submitter. Criteria: ACMG Guidelines, 2015. Collection method: clinical testing. Allele origin: germline.

Juno Genomics, Hangzhou Juno Genomics, Inc
Classification: Likely pathogenic for Hereditary spherocytosis type 1. Review status: criteria provided, single submitter. Criteria: ACMG Guidelines, 2015. Collection method: clinical testing. Allele origin: germline.
Comment: Null variant in a gene where loss of function (LOF) is a known mechanism of disease.;Absent from controls (or at extremely low frequency if recessive) in Genome Aggregation Database.